The following is an entry in ClinVar:

NM_001278512.2(AP3B2):c.3299C>G (p.Thr1100Ser)

Genes: AP3B2 (adaptor related protein complex 3 subunit beta 2; minus strand), CPEB1-AS1 (CPEB1 antisense RNA 1; plus strand). Cytogenetic location: 15q25.2.
Variant type: single nucleotide variant.
Coding change: c.3299C>G on transcript NM_001278512.2 (MANE Select); coding-DNA position 3299, C replaced by G.
Protein change: p.Thr1100Ser; replaces threonine 1100 with serine.
Molecular consequence: missense variant.
Genome position (GRCh38, 1-based): chr15:82,659,567, G>C on the plus strand (C>G on the coding strand, the complement: AP3B2 is on the minus strand). VCF-style: chr15-82659567-G-C. GRCh37 (hg19) VCF-style: chr15-83328319-G-C.
Other names: c.3146C>G, p.Thr1049Ser (NM_001278511.2); c.431C>G, p.Thr144Ser (NM_001348441.2); c.3242C>G, p.Thr1081Ser (NM_004644.5); short protein forms T1049S, T1081S, T1100S, T144S.
Identifiers: ClinVar variation 1720334 (VCV001720334.5), dbSNP rs201428733, ClinGen allele CA7699643.
Genomic context (GRCh38, chr15:82,659,567, plus strand): 5'-AGGTGTCATGGGGAGGTATAGATGGGAGCCAAACAGGTCACAGCATTTGGAAGTCACTGG[G>C]TCAGAGCCTGTATCACATCCTTTACCAGCATGGTGCCAATCACCATTTTCTCGCTGTTGA-3'
Protein context (NP_001265441.1, residues 1090-1101): MLVKDVIQAL[Thr1100Ser]Q

ClinVar aggregate classification (germline): Uncertain significance (1 of 4 stars; one submission).

gnomAD v4.1: 4 of 1,613,722 alleles (0.00025%); highest among the groups gnomAD compares: South Asian, 0.0033%; no homozygotes.

Submission:

Labcorp Genetics (formerly Invitae), Labcorp
Classification: Uncertain significance. Last evaluated: 2022-07-21. Review status: criteria provided, single submitter. Criteria: Invitae Variant Classification Sherloc (09022015). Collection method: clinical testing. Allele origin: germline.
Comment: In summary, the available evidence is currently insufficient to determine the role of this variant in disease. Therefore, it has been classified as a Variant of Uncertain Significance. Algorithms developed to predict the effect of missense changes on protein structure and function output the following: SIFT: "Tolerated"; PolyPhen-2: "Benign"; Align-GVGD: "Class C0". The serine amino acid residue is found in multiple mammalian species, which suggests that this missense change does not adversely affect protein function. This variant has not been reported in the literature in individuals affected with AP3B2-related conditions. This variant is present in population databases (rs201428733, gnomAD 0.003%). This sequence change replaces threonine, which is neutral and polar, with serine, which is neutral and polar, at codon 1081 of the AP3B2 protein (p.Thr1081Ser).